The following is an entry in ClinVar:

ClinVar aggregate classification (germline): Benign/Likely benign. Review status: criteria provided, multiple submitters, no conflicts (2 of 4 stars). 4 submissions from 4 submitters: Benign (2); Likely benign (1). 1 of the submissions does not count toward it. Last evaluated 2022-11-01.

Conditions:
DNHD1-related disorder. Also called: DNHD1-related condition.

Allele frequency attached by ClinVar (database versions not stated): 1000 Genomes Project 30x 0.00016; TOPMed 0.00180; ESP Exome Variant Server 0.00241.
gnomAD v4.1: 3,028 of 1,551,716 alleles (0.2%); highest among the groups gnomAD compares: Non-Finnish European, 0.22%; 7 homozygotes.

Submissions (4):

CeGaT Center for Human Genetics Tuebingen
Classification: Likely benign. Last evaluated: 2022-11-01. Review status: criteria provided, single submitter. Criteria: CeGaT Center For Human Genetics Tuebingen Variant Classification Criteria Version 2. Collection method: clinical testing. Allele origin: germline. Affected: yes. Observed: 1 variant allele.
Comment: DNHD1: BP4, BP7

Labcorp Genetics (formerly Invitae), Labcorp
Classification: Benign. Last evaluated: 2019-12-31. Review status: criteria provided, single submitter. Criteria: Invitae Variant Classification Sherloc (09022015). Collection method: clinical testing. Allele origin: germline.

Breakthrough Genomics
Classification: Benign. Review status: criteria provided, single submitter. Criteria: ACMG Guidelines, 2015. Collection method: not provided. Allele origin: germline. Inheritance: Autosomal recessive inheritance. Affected: yes.

PreventionGenetics, part of Exact Sciences
Classification: Likely benign for DNHD1-related condition. Last evaluated: 2019-02-28. Review status: no assertion criteria provided. Collection method: clinical testing. Allele origin: germline. Not counted in ClinVar's aggregate classification.
Comment: This variant is classified as likely benign based on ACMG/AMP sequence variant interpretation guidelines (Richards et al. 2015 PMID: 25741868, with internal and published modifications).

NM_144666.3(DNHD1):c.4041C>T (p.Ser1347=)

Gene: DNHD1 (dynein heavy chain domain 1; plus strand). Cytogenetic location: 11p15.4.
Variant type: single nucleotide variant.
Coding change: c.4041C>T on transcript NM_144666.3 (MANE Select); coding-DNA position 4041, C replaced by T.
Protein change: p.Ser1347=; no amino-acid change (serine 1347 retained).
Molecular consequence: synonymous variant.
Genome position (GRCh38, 1-based): chr11:6,544,980, C>T. VCF-style: chr11-6544980-C-T. GRCh37 (hg19) VCF-style: chr11-6566210-C-T.
Identifiers: ClinVar variation 727475 (VCV000727475.30), dbSNP rs189772244, ClinGen allele CA5855965.